The following is an entry in ClinVar:

ClinVar aggregate classification (germline): Uncertain significance (1 of 4 stars; one submission).

Conditions:
Combined oxidative phosphorylation defect type 27. Also called: Combined oxidative phosphorylation deficiency 27. Identifiers: Orphanet 477774, MedGen C5567608, MONDO:0014728, OMIM 616672.

Submission:

Labcorp Genetics (formerly Invitae), Labcorp
Classification: Uncertain significance for Combined oxidative phosphorylation defect type 27. Last evaluated: 2022-07-05. Review status: criteria provided, single submitter. Criteria: Invitae Variant Classification Sherloc (09022015). Collection method: clinical testing. Allele origin: germline.
Comment: In summary, the available evidence is currently insufficient to determine the role of this variant in disease. Therefore, it has been classified as a Variant of Uncertain Significance. Algorithms developed to predict the effect of missense changes on protein structure and function are either unavailable or do not agree on the potential impact of this missense change (SIFT: "Not Available"; PolyPhen-2: "Probably Damaging"; Align-GVGD: "Not Available"). ClinVar contains an entry for this variant (Variation ID: 644921). This variant has not been reported in the literature in individuals affected with CARS2-related conditions. Information on the frequency of this variant in the gnomAD database is not available, as this variant may be reported differently in the database. This sequence change replaces glutamic acid with glycine at codon 284 of the CARS2 protein (p.Glu284Gly). The glutamic acid residue is highly conserved and there is a moderate physicochemical difference between glutamic acid and glycine.

NM_024537.4(CARS2):c.851_852delinsGG (p.Glu284Gly)

Gene: CARS2 (cysteinyl-tRNA synthetase 2, mitochondrial; minus strand). Cytogenetic location: 13q34.
Variant type: Indel.
Coding change: c.851_852delinsGG on transcript NM_024537.4 (MANE Select); coding-DNA positions 851 to 852, AA replaced by GG.
Protein change: p.Glu284Gly; replaces glutamic acid 284 with glycine.
Molecular consequence: missense variant. On other transcripts: non-coding transcript variant (2).
Genome position (GRCh38, 1-based): chr13:110,667,407-110,667,408, TT replaced by CC on the plus strand (AA replaced by GG on the coding strand, the reverse complement: CARS2 is on the minus strand). VCF-style: chr13-110667407-TT-CC. GRCh37 (hg19) VCF-style: chr13-111319754-TT-CC.
Other names: c.65_66delinsGG, p.Glu22Gly (NM_001352252.2); c.851_852delinsGG, p.Glu284Gly (NM_001352253.3); short protein forms E22G, E284G.
Identifiers: ClinVar variation 644921 (VCV000644921.6), dbSNP rs1594296703, ClinGen allele CA915946572.